The following is an entry in ClinVar:

ClinVar aggregate classification (germline): Uncertain significance (1 of 4 stars; one submission).

Submission:

GeneDx
Classification: Uncertain significance. Last evaluated: 2025-02-13. Review status: criteria provided, single submitter. Criteria: GeneDx Variant Classification Process June 2021. Collection method: clinical testing. Allele origin: germline. Affected: yes.
Comment: Nonsense variant predicted to result in protein truncation or nonsense mediated decay in a gene or region of a gene for which loss of function is not a well-established mechanism of disease; Has not been previously published as pathogenic or benign to our knowledge

NM_007192.4(SUPT16H):c.2278C>T (p.Arg760Ter)

Gene: SUPT16H (SPT16 homolog, facilitates chromatin remodeling subunit; minus strand). Cytogenetic location: 14q11.2.
Variant type: single nucleotide variant.
Coding change: c.2278C>T on transcript NM_007192.4 (MANE Select); coding-DNA position 2278, C replaced by T.
Protein change: p.Arg760Ter; replaces arginine 760 with a stop codon.
Molecular consequence: nonsense.
Genome position (GRCh38, 1-based): chr14:21,359,507, G>A on the plus strand (C>T on the coding strand, the complement: SUPT16H is on the minus strand). VCF-style: chr14-21359507-G-A. GRCh37 (hg19) VCF-style: chr14-21827666-G-A.
Other names: short protein forms R760*.
Identifiers: ClinVar variation 4075519 (VCV004075519.1).